The following is an entry in ClinVar:

NM_012062.5(DNM1L):c.1356+5C>T

Gene: DNM1L (dynamin 1 like; plus strand). Cytogenetic location: 12p11.21.
Variant type: single nucleotide variant.
Coding change: c.1356+5C>T on transcript NM_012062.5 (MANE Select); 5 bases into the intron after coding-DNA position 1356, C replaced by T.
Molecular consequence: intron variant.
Genome position (GRCh38, 1-based): chr12:32,731,516, C>T. VCF-style: chr12-32731516-C-T. GRCh37 (hg19) VCF-style: chr12-32884450-C-T.
Other names: c.1395+5C>T (NM_001278464.2, NM_001278465.2, NM_001330380.2); c.747+5C>T (NM_001278466.2); c.1356+5C>T (NM_001278463.2, NM_012063.4, NM_005690.5 and 1 more transcripts).
Identifiers: ClinVar variation 512922 (VCV000512922.8), dbSNP rs558306648, ClinGen allele CA6507503.
Genomic context (GRCh38, chr12:32,731,516, plus strand): 5'-TGGTTCATGAGGAAATGCAAAGGATCATTCAGCACTGTAGCAATTACAGTACACAGGTAA[C>T]GGAGAGAAATGTAACAGGTTTCACATGAACTAGAAAAGGACATGAAGTGGTGGTTTCACT-3'

ClinVar aggregate classification (germline): Conflicting classifications of pathogenicity. Review status: criteria provided, conflicting classifications (1 of 4 stars). 3 submissions from 3 submitters: Uncertain significance (1); Likely benign (1). 1 of the submissions does not count toward it. Last evaluated 2025-09-15.

Conditions:
DNM1L-related disorder. Also called: DNM1L-related condition.

Allele frequency attached by ClinVar (database versions not stated): gnomAD exomes 0.00001 and 0.00004; ExAC 0.00002; gnomAD 0.00002 and 0.00003; TOPMed 0.00003.
gnomAD v4.1: 27 of 1,613,786 alleles (0.0017%); highest among the groups gnomAD compares: Admixed American, 0.018%; no homozygotes.

Submissions (3):

Labcorp Genetics (formerly Invitae), Labcorp
Classification: Uncertain significance. Last evaluated: 2025-09-15. Review status: criteria provided, single submitter. Criteria: Invitae Variant Classification Sherloc (09022015). Collection method: clinical testing. Allele origin: germline.
Comment: This sequence change falls in intron 11 of the DNM1L gene. It does not directly change the encoded amino acid sequence of the DNM1L protein. It affects a nucleotide within the consensus splice site. This variant is present in population databases (rs558306648, gnomAD 0.02%). This variant has not been reported in the literature in individuals affected with DNM1L-related conditions. ClinVar contains an entry for this variant (Variation ID: 512922). Variants that disrupt the consensus splice site are a relatively common cause of aberrant splicing (PMID: 17576681, 9536098). Algorithms developed to predict the effect of sequence changes on RNA splicing suggest that this variant is not likely to affect RNA splicing. In summary, the available evidence is currently insufficient to determine the role of this variant in disease. Therefore, it has been classified as a Variant of Uncertain Significance.

GeneDx
Classification: Likely benign. Last evaluated: 2017-11-02. Review status: criteria provided, single submitter. Criteria: GeneDx Variant Classification (06012015). Collection method: clinical testing. Allele origin: germline. Affected: yes.
Comment: This variant is considered likely benign or benign based on one or more of the following criteria: it is a conservative change, it occurs at a poorly conserved position in the protein, it is predicted to be benign by multiple in silico algorithms, and/or has population frequency not consistent with disease.

PreventionGenetics, part of Exact Sciences
Classification: Likely benign for DNM1L-related condition. Last evaluated: 2019-07-08. Review status: no assertion criteria provided. Collection method: clinical testing. Allele origin: germline. Not counted in ClinVar's aggregate classification.
Comment: This variant is classified as likely benign based on ACMG/AMP sequence variant interpretation guidelines (Richards et al. 2015 PMID: 25741868, with internal and published modifications).

Literature cited by the submitters: PubMed 17576681 (cited by Labcorp Genetics (formerly Invitae), Labcorp); PubMed 9536098 (cited by Labcorp Genetics (formerly Invitae), Labcorp).